The following is an entry in ClinVar:

NM_004364.5(CEBPA):c.925G>T (p.Glu309Ter)

Gene: CEBPA (CCAAT enhancer binding protein alpha; minus strand). Cytogenetic location: 19q13.11.
Variant type: single nucleotide variant.
Coding change: c.925G>T on transcript NM_004364.5 (MANE Select); coding-DNA position 925, G replaced by T.
Protein change: p.Glu309Ter; replaces glutamic acid 309 with a stop codon.
Molecular consequence: nonsense.
Genome position (GRCh38, 1-based): chr19:33,301,490, C>A on the plus strand (G>T on the coding strand, the complement: CEBPA is on the minus strand). VCF-style: chr19-33301490-C-A. GRCh37 (hg19) VCF-style: chr19-33792396-C-A.
Other names: c.568G>T, p.Glu190Ter (NM_001285829.2); c.1030G>T, p.Glu344Ter (NM_001287424.2); c.883G>T, p.Glu295Ter (NM_001287435.2); short protein forms E295*, E309*, E344*, E190*.
Identifiers: ClinVar variation 2706757 (VCV002706757.3), dbSNP rs2513328442, ClinGen allele CA405273910.

ClinVar aggregate classification (germline): Uncertain significance (1 of 4 stars; one submission).

Conditions:
Acute myeloid leukemia (AML). Also called: Acute myeloid leukemia, adult; AML adult; Acute non-lymphocytic leukemia; Acute granulocytic leukemia; Leukemia, acute myeloid, somatic; Leukemia, acute myelogenous, somatic. Identifiers: Orphanet 519, MedGen C0023467, MeSH D015470, MONDO:0018874, OMIM 601626, HP:0004808. Disease mechanism: Constitutively activated FLT3.

Submission:

Labcorp Genetics (formerly Invitae), Labcorp
Classification: Uncertain significance for Acute myeloid leukemia. Last evaluated: 2023-12-31. Review status: criteria provided, single submitter. Criteria: Invitae Variant Classification Sherloc (09022015). Collection method: clinical testing. Allele origin: germline.
Comment: This sequence change creates a premature translational stop signal (p.Glu309*) in the CEBPA gene. While this is not anticipated to result in nonsense mediated decay, it is expected to disrupt the last 50 amino acid(s) of the CEBPA protein. This variant is not present in population databases (gnomAD no frequency). This variant has not been reported in the literature in individuals affected with CEBPA-related conditions. In summary, the available evidence is currently insufficient to determine the role of this variant in disease. Therefore, it has been classified as a Variant of Uncertain Significance.